The following is an entry in ClinVar:

NM_000368.5(TSC1):c.1879C>G (p.Leu627Val)

Gene: TSC1 (TSC complex subunit 1; minus strand). Cytogenetic location: 9q34.13.
Variant type: single nucleotide variant.
Coding change: c.1879C>G on transcript NM_000368.5 (MANE Select); coding-DNA position 1879, C replaced by G.
Protein change: p.Leu627Val; replaces leucine 627 with valine.
Molecular consequence: missense variant.
Genome position (GRCh38, 1-based): chr9:132,905,699, G>C on the plus strand (C>G on the coding strand, the complement: TSC1 is on the minus strand). VCF-style: chr9-132905699-G-C. GRCh37 (hg19) VCF-style: chr9-135781086-G-C.
Other names: c.1516C>G, p.Leu506Val (NM_001362177.2, NM_001406614.1, NM_001406615.1 and 5 more transcripts); c.1879C>G, p.Leu627Val (NM_001406592.1, NM_001406593.1, NM_001406594.1 and 7 more transcripts); c.1876C>G, p.Leu626Val (NM_001406597.1, NM_001406598.1, NM_001406599.1 and 6 more transcripts); c.1726C>G, p.Leu576Val (NM_001406610.1, NM_001162427.2); c.1723C>G, p.Leu575Val (NM_001406611.1, NM_001406612.1, NM_001406613.1); c.1513C>G, p.Leu505Val (NM_001406620.1, NM_001406621.1, NM_001406622.1 and 2 more transcripts); c.928C>G, p.Leu310Val (NM_001406626.1); c.925C>G, p.Leu309Val (NM_001406627.1, NM_001406628.1); and 1 more; short protein forms L310V, L505V, L506V, L309V, L576V, L626V, L627V, L276V.
Identifiers: ClinVar variation 1781838 (VCV001781838.7), dbSNP rs1171110012, ClinGen allele CA375362975.
Genomic context (GRCh38, chr9:132,905,699, plus strand): 5'-CCATTGGGGAGGTAGAGGGCACACCATCTTCCTCTGTGTTTCCTTTTGCTTTCTTTAACA[G>C]CTCCTCAGTCTTCCTGATGACAAAATGATGGGCTGTCTTTGGCAATGCCACCTCAAAAAG-3'
Protein context (NP_000359.1, residues 617-637): HHFVIRKTEE[Leu627Val]LKKAKGNTEE

ClinVar aggregate classification (germline): Conflicting classifications of pathogenicity. Review status: criteria provided, conflicting classifications (1 of 4 stars). 2 submissions from 2 submitters: Uncertain significance (1); Likely benign (1). Last evaluated 2025-11-22.

Conditions:
Hereditary cancer-predisposing syndrome. Also called: Tumor predisposition; Neoplastic Syndromes, Hereditary; Hereditary Cancer Syndrome; Hereditary neoplastic syndrome. Identifiers: Orphanet 140162, MedGen C0027672, MeSH D009386, MONDO:0015356.
Tuberous sclerosis 1 (TSC1). Identifiers: Orphanet 805, MedGen C1854465, MONDO:0008612, OMIM 191100.

gnomAD v4.1: 1 of 1,614,172 alleles (0.000062%); highest among the groups gnomAD compares: Non-Finnish European, 0.000085%; no homozygotes.

Submissions (2):

Labcorp Genetics (formerly Invitae), Labcorp
Classification: Likely benign for Tuberous sclerosis 1. Last evaluated: 2025-11-22. Review status: criteria provided, single submitter. Criteria: Invitae Variant Classification Sherloc (09022015). Collection method: clinical testing. Allele origin: germline.

Ambry Genetics
Classification: Uncertain significance for Hereditary cancer-predisposing syndrome. Last evaluated: 2022-09-17. Review status: criteria provided, single submitter. Criteria: Ambry Variant Classification Scheme 2023. Collection method: clinical testing. Allele origin: germline.
Comment: The p.L627V variant (also known as c.1879C>G), located in coding exon 13 of the TSC1 gene, results from a C to G substitution at nucleotide position 1879. The leucine at codon 627 is replaced by valine, an amino acid with highly similar properties. This amino acid position is conserved. In addition, the in silico prediction for this alteration is inconclusive. Since supporting evidence is limited at this time, the clinical significance of this alteration remains unclear.